The following is an entry in ClinVar:

NM_005477.3(HCN4):c.597G>T (p.Gln199His)

Gene: HCN4 (hyperpolarization activated cyclic nucleotide gated potassium channel 4; minus strand). Cytogenetic location: 15q24.1.
Variant type: single nucleotide variant.
Coding change: c.597G>T on transcript NM_005477.3 (MANE Select); coding-DNA position 597, G replaced by T.
Protein change: p.Gln199His; replaces glutamine 199 with histidine.
Molecular consequence: missense variant.
Genome position (GRCh38, 1-based): chr15:73,367,674, C>A on the plus strand (G>T on the coding strand, the complement: HCN4 is on the minus strand). VCF-style: chr15-73367674-C-A. GRCh37 (hg19) VCF-style: chr15-73660015-C-A.
Other names: short protein forms Q199H.
Identifiers: ClinVar variation 538075 (VCV000538075.12), dbSNP rs768734319, ClinGen allele CA7649453.

ClinVar aggregate classification (germline): Uncertain significance. Review status: criteria provided, multiple submitters, no conflicts (2 of 4 stars). 2 submissions from 2 submitters: Uncertain significance (2). Last evaluated 2025-12-24.

Conditions:
Brugada syndrome 8 (BRGDA8). Identifiers: Orphanet 130, MedGen C2751083, MONDO:0013148, OMIM 613123.
Cardiovascular phenotype. Identifiers: MedGen CN230736.

Allele frequency attached by ClinVar (database versions not stated): ExAC 0.00002; TOPMed 0.00005; gnomAD 0.00006.
gnomAD v4.1: 24 of 1,604,428 alleles (0.0015%); highest among the groups gnomAD compares: African/African-American, 0.013%; no homozygotes.

Submissions (2):

Labcorp Genetics (formerly Invitae), Labcorp
Classification: Uncertain significance for Brugada syndrome 8. Last evaluated: 2025-12-24. Review status: criteria provided, single submitter. Criteria: Invitae Variant Classification Sherloc (09022015). Collection method: clinical testing. Allele origin: germline.
Comment: This sequence change replaces glutamine, which is neutral and polar, with histidine, which is basic and polar, at codon 199 of the HCN4 protein (p.Gln199His). This variant is present in population databases (rs768734319, gnomAD 0.02%). This variant has not been reported in the literature in individuals affected with HCN4-related conditions. ClinVar contains an entry for this variant (Variation ID: 538075). Invitae Evidence Modeling of protein sequence and biophysical properties (such as structural, functional, and spatial information, amino acid conservation, physicochemical variation, residue mobility, and thermodynamic stability) indicates that this missense variant is not expected to disrupt HCN4 protein function with a negative predictive value of 95%. In summary, the available evidence is currently insufficient to determine the role of this variant in disease. Therefore, it has been classified as a Variant of Uncertain Significance.

Ambry Genetics
Classification: Uncertain significance for Cardiovascular phenotype. Last evaluated: 2023-10-06. Review status: criteria provided, single submitter. Criteria: Ambry Variant Classification Scheme 2023. Collection method: clinical testing. Allele origin: germline.
Comment: The p.Q199H variant (also known as c.597G>T), located in coding exon 1 of the HCN4 gene, results from a G to T substitution at nucleotide position 597. The glutamine at codon 199 is replaced by histidine, an amino acid with highly similar properties. This amino acid position is highly conserved in available vertebrate species. In addition, the in silico prediction for this alteration is inconclusive. Since supporting evidence is limited at this time, the clinical significance of this alteration remains unclear.